The following is an entry in ClinVar:

NM_001330260.2(SCN8A):c.3263A>T (p.Asn1088Ile)

Gene: SCN8A (sodium voltage-gated channel alpha subunit 8; plus strand). Cytogenetic location: 12q13.13.
Variant type: single nucleotide variant.
Coding change: c.3263A>T on transcript NM_001330260.2 (MANE Select); coding-DNA position 3263, A replaced by T.
Protein change: p.Asn1088Ile; replaces asparagine 1088 with isoleucine.
Molecular consequence: missense variant.
Genome position (GRCh38, 1-based): chr12:51,769,226, A>T. VCF-style: chr12-51769226-A-T. GRCh37 (hg19) VCF-style: chr12-52163010-A-T.
Other names: c.3263A>T, p.Asn1088Ile (NM_001369788.1, NM_014191.4, NM_001177984.3); short protein forms N1088I.
Identifiers: ClinVar variation 4531424 (VCV004531424.1).

ClinVar aggregate classification (germline): Uncertain significance (1 of 4 stars; one submission).

Conditions:
Developmental and epileptic encephalopathy, 13 (DEE13). Also called: Early infantile epileptic encephalopathy 13; SCN8A-Related Epilepsy; Developmental and Epileptic Encephalopathy (SCN8A-DEE). Identifiers: Orphanet 442835, MedGen C3281191, MONDO:0013801, OMIM 614558.

Submission:

Victorian Clinical Genetics Services, Murdoch Childrens Research Institute
Classification: Uncertain significance for Developmental and epileptic encephalopathy, 13. Last evaluated: 2025-05-28. Review status: criteria provided, single submitter. Criteria: ACMG Guidelines, 2015. Collection method: clinical testing. Allele origin: germline. Affected: yes.
Comment: This variant is classified as VUS-3B. Evidence in support of pathogenic classification: Variant is absent from gnomAD (v2, v3 and v4); Missense variant consistently predicted to be damaging by in silico tool or highly conserved with a major amino acid change. Additional information: Variant is predicted to result in a missense amino acid change from asparagine to isoleucine; This variant is heterozygous; This gene is associated with autosomal dominant disease; An alternative amino acid change at the same position has been observed in gnomAD (v4: 1 heterozygote(s), 0 homozygote(s)); This variant has no previous evidence of pathogenicity; No published segregation evidence has been identified for this variant; No published functional evidence has been identified for this variant; No comparable missense variants have previous evidence for pathogenicity; Variant is located in the annotated sodium ion transport-associated domain (DECIPHER) - Loss of function and gain of function are known mechanisms of disease in this gene, and are associated with cognitive impairment with or without cerebellar ataxia (MIM#614306), and developmental and epileptic encephalopathy 13 (MIM#614558), respectively. In addition, gain of function is speculated for seizures, benign familial infantile, 5 (MIM#617080) (PMID: 31904124, OMIM).

Literature cited by the submitters: PubMed 31904124.